The following is an entry in ClinVar:

NM_001379291.1(BRD4):c.662C>T (p.Thr221Met)

Gene: BRD4 (bromodomain containing 4; minus strand). Cytogenetic location: 19p13.12.
Variant type: single nucleotide variant.
Coding change: c.662C>T on transcript NM_001379291.1 (MANE Select); coding-DNA position 662, C replaced by T.
Protein change: p.Thr221Met; replaces threonine 221 with methionine.
Molecular consequence: missense variant.
Genome position (GRCh38, 1-based): chr19:15,265,541, G>A on the plus strand (C>T on the coding strand, the complement: BRD4 is on the minus strand). VCF-style: chr19-15265541-G-A. GRCh37 (hg19) VCF-style: chr19-15376352-G-A.
Other names: c.662C>T, p.Thr221Met (NM_001330384.2, NM_001379292.1, NM_014299.3 and 1 more transcripts); short protein forms T221M.
Identifiers: ClinVar variation 2071071 (VCV002071071.4), dbSNP rs776261114, ClinGen allele CA9265573.

ClinVar aggregate classification (germline): Uncertain significance (1 of 4 stars; one submission).

Allele frequency attached by ClinVar (database versions not stated): ExAC 0.00002; gnomAD exomes 0.00002; gnomAD 0.00005; TOPMed 0.00006.
gnomAD v4.1: 44 of 1,613,944 alleles (0.0027%); highest among the groups gnomAD compares: Non-Finnish European, 0.0031%; no homozygotes.

Submission:

Labcorp Genetics (formerly Invitae), Labcorp
Classification: Uncertain significance. Last evaluated: 2025-09-25. Review status: criteria provided, single submitter. Criteria: Invitae Variant Classification Sherloc (09022015). Collection method: clinical testing. Allele origin: germline.
Comment: This sequence change replaces threonine, which is neutral and polar, with methionine, which is neutral and non-polar, at codon 221 of the BRD4 protein (p.Thr221Met). This variant is present in population databases (rs776261114, gnomAD 0.005%). This variant has not been reported in the literature in individuals affected with BRD4-related conditions. ClinVar contains an entry for this variant (Variation ID: 2071071). Invitae Evidence Modeling of protein sequence and biophysical properties (such as structural, functional, and spatial information, amino acid conservation, physicochemical variation, residue mobility, and thermodynamic stability) indicates that this missense variant is not expected to disrupt BRD4 protein function with a negative predictive value of 80%. In summary, the available evidence is currently insufficient to determine the role of this variant in disease. Therefore, it has been classified as a Variant of Uncertain Significance.